The following is an entry in ClinVar:

NM_004589.4(SCO1):c.*320=

Gene: SCO1 (synthesis of cytochrome C oxidase 1; minus strand). Cytogenetic location: 17p13.1.
Variant type: single nucleotide variant.
Coding change: c.*320= on transcript NM_004589.4 (MANE Select); 320 bases downstream of the stop codon, no change from the reference sequence.
Molecular consequence: no sequence alteration.
Genome position: GRCh38 VCF-style: chr17-10680799-T-T. GRCh37 (hg19) VCF-style: chr17-10584116-C-T.
Identifiers: ClinVar variation 321785 (VCV000321785.9), dbSNP rs2040570.

ClinVar aggregate classification (germline): Benign. Review status: criteria provided, multiple submitters, no conflicts (2 of 4 stars). 3 submissions from 3 submitters: Benign (3). Last evaluated 2018-06-14.

Conditions:
Leigh syndrome (NULS). Also called: Leigh Disease; Subacute necrotizing encephalopathy; Necrotizing encephalopathy infantile subacute of Leigh; Leigh's necrotizing encephalopathy; Leigh's disease; Leigh's syndrome. Identifiers: Orphanet 506, MedGen C2931891, MONDO:0009723, OMIM 256000.

Submissions (3):

GeneDx
Classification: Benign. Last evaluated: 2018-06-14. Review status: criteria provided, single submitter. Criteria: GeneDx Variant Classification Process June 2021. Collection method: clinical testing. Allele origin: germline. Affected: yes.

Illumina Laboratory Services, Illumina
Classification: Benign for Leigh syndrome. Last evaluated: 2018-01-13. Review status: criteria provided, single submitter. Criteria: ICSL Variant Classification Criteria 13 December 2019. Collection method: clinical testing. Allele origin: germline.
Comment: This variant was observed in the ICSL laboratory as part of a predisposition screen in an ostensibly healthy population. It had not been previously curated by ICSL or reported in the Human Gene Mutation Database (HGMD: prior to June 1st, 2018), and was therefore a candidate for classification through an automated scoring system. Utilizing variant allele frequency, disease prevalence and penetrance estimates, and inheritance mode, an automated score was calculated to assess if this variant is too frequent to cause the disease. Based on the score and internal cut-off values, a variant classified as benign is not then subjected to further curation. The score for this variant resulted in a classification of benign for this disease.

Breakthrough Genomics
Classification: Benign. Review status: criteria provided, single submitter. Criteria: ACMG Guidelines, 2015. Collection method: not provided. Allele origin: germline. Inheritance: Autosomal recessive inheritance. Affected: yes.